The following is an entry in ClinVar:

ClinVar aggregate classification (germline): Pathogenic (1 of 4 stars; one submission).

Conditions:
Autosomal recessive limb-girdle muscular dystrophy type 2A (LGMDR1). Also called: Limb-girdle muscular dystrophy, type 2A; Calpainopathy; LEYDEN-MOEBIUS MUSCULAR DYSTROPHY; MUSCULAR DYSTROPHY, PELVOFEMORAL; Muscular dystrophy, limb-girdle, type 2A, Amish. Identifiers: Orphanet 267, MedGen C1869123, MONDO:0009675, OMIM 253600. Disease mechanism: loss of function.

Submission:

Labcorp Genetics (formerly Invitae), Labcorp
Classification: Pathogenic for Autosomal recessive limb-girdle muscular dystrophy type 2A. Last evaluated: 2021-05-01. Review status: criteria provided, single submitter. Criteria: Invitae Variant Classification Sherloc (09022015). Collection method: clinical testing. Allele origin: germline.
Comment: This variant has not been reported in the literature in individuals with CAPN3-related conditions. This sequence change creates a premature translational stop signal (p.Val338Hisfs*5) in the CAPN3 gene. It is expected to result in an absent or disrupted protein product. Loss-of-function variants in CAPN3 are known to be pathogenic (PMID: 10330340, 15689361). This variant is not present in population databases (ExAC no frequency). For these reasons, this variant has been classified as Pathogenic.

Literature cited by the submitters: PubMed 10330340; PubMed 15689361.

NM_000070.3(CAPN3):c.1012_1013del (p.Val338fs)

Gene: CAPN3 (calpain 3; plus strand). Cytogenetic location: 15q15.1.
Variant type: Deletion.
Coding change: c.1012_1013del on transcript NM_000070.3 (MANE Select); coding-DNA positions 1012 to 1013, 2 bases deleted (GT; older notation c.1012_1013delGT).
Protein change: p.Val338fs; shifts the reading frame from valine 338.
Molecular consequence: frameshift variant.
Genome position (GRCh38, 1-based): chr15:42,392,705-42,392,706, GT deleted; deleting any 2 consecutive bases within chr15:42,392,704-42,392,706 gives the same sequence; the c. name uses the placement nearest the transcript's 3' end. VCF-style (leftmost placement, unchanged base first): chr15-42392703-CTG-C. GRCh37 (hg19) VCF-style: chr15-42684901-CTG-C.
Other names: c.1012_1013del, p.Val338fs (NM_024344.2); c.868_869del, p.Val290fs (NM_173087.2); short protein forms V290fs, V338fs.
Identifiers: ClinVar variation 1382408 (VCV001382408.6), dbSNP rs2141176996, ClinGen allele CA617605420.